The following is an entry in ClinVar:

NM_000044.6(AR):c.2521C>A (p.Arg841Ser)

Gene: AR (androgen receptor; plus strand). Cytogenetic location: Xq12.
Variant type: single nucleotide variant.
Coding change: c.2521C>A on transcript NM_000044.6 (MANE Select); coding-DNA position 2521, C replaced by A.
Protein change: p.Arg841Ser; replaces arginine 841 with serine.
Molecular consequence: missense variant.
Genome position (GRCh38, 1-based): chrX:67,722,898, C>A. VCF-style: chrX-67722898-C-A. GRCh37 (hg19) VCF-style: chrX-66942740-C-A.
Other names: c.925C>A, p.Arg309Ser (NM_001011645.3); c.2524C>A, p.Arg842Ser (NM_001424175.1); short protein forms R309S, R841S, R842S.
Identifiers: ClinVar variation 3250420 (VCV003250420.1), dbSNP rs137852577.

ClinVar aggregate classification (germline): Uncertain significance (1 of 4 stars; one submission).

Conditions:
Partial androgen insensitivity syndrome (PAIS). Also called: ANDROGEN INSENSITIVITY, PARTIAL, WITH OR WITHOUT BREAST CANCER; Pseudohermaphroditism, Incomplete male, type I; Reifenstein syndrome, partial; Androgen resistance syndrome, partial; Type I familial incomplete male pseudohermaphroditism; Partial Androgen Insensitivity Syndrome (PAIS). Identifiers: Orphanet 90797, MedGen C0268301, MONDO:0010720, OMIM 312300.

Submission:

Neuberg Centre For Genomic Medicine, NCGM
Classification: Uncertain significance for Partial androgen insensitivity syndrome. Review status: criteria provided, single submitter. Criteria: ACMG Guidelines, 2015. Collection method: clinical testing. Allele origin: germline. Inheritance: X-linked recessive inheritance. Affected: yes.
Comment: The observed missense variant c.2521C>A (p.Arg841Ser) in AR gene has not been reported previously as a pathogenic variant nor as a benign variant, to our knowledge. The p.Arg841Ser variant is absent in gnomAD Exomes. This variant has not been submitted to the ClinVar database. The amino acid change p.Arg841Ser in AR is predicted as conserved by GERP++ and PhyloP across 100 vertebrates. The amino acid Arg at position 841 is changed to a Ser changing protein sequence and it might alter its composition and physico-chemical properties. For these reasons, this variant has been classified as Variant of Uncertain Significance (VUS).